The following is an entry in ClinVar:

ClinVar aggregate classification (germline): Uncertain significance (1 of 4 stars; one submission).

Conditions:
Joubert syndrome. Also called: CEREBELLOPARENCHYMAL DISORDER IV; JOUBERT-BOLTSHAUSER SYNDROME; Familial aplasia of the vermis. Identifiers: Orphanet 475, MedGen C5979921, MONDO:0018772.
Meckel-Gruber syndrome. Also called: DYSENCEPHALIA SPLANCHNOCYSTICA; GRUBER SYNDROME; Dysencephalia splachnocystica. Identifiers: Orphanet 564, MedGen C0265215, MONDO:0018921.

Allele frequency attached by ClinVar (database versions not stated): gnomAD exomes 0.00001.
gnomAD v4.1: 3 of 1,614,028 alleles (0.00019%); highest among the groups gnomAD compares: Non-Finnish European, 0.00025%; no homozygotes.

Submission:

Labcorp Genetics (formerly Invitae), Labcorp
Classification: Uncertain significance for Joubert syndrome; Meckel-Gruber syndrome. Last evaluated: 2022-03-15. Review status: criteria provided, single submitter. Criteria: Invitae Variant Classification Sherloc (09022015). Collection method: clinical testing. Allele origin: germline.
Comment: In summary, the available evidence is currently insufficient to determine the role of this variant in disease. Therefore, it has been classified as a Variant of Uncertain Significance. Algorithms developed to predict the effect of missense changes on protein structure and function output the following: SIFT: "Tolerated"; PolyPhen-2: "Benign"; Align-GVGD: "Class C0". The valine amino acid residue is found in multiple mammalian species, which suggests that this missense change does not adversely affect protein function. This variant has not been reported in the literature in individuals affected with TCTN2-related conditions. This variant is present in population databases (no rsID available, gnomAD no frequency). This sequence change replaces alanine, which is neutral and non-polar, with valine, which is neutral and non-polar, at codon 153 of the TCTN2 protein (p.Ala153Val).

NM_024809.5(TCTN2):c.458C>T (p.Ala153Val)

Gene: TCTN2 (tectonic family member 2; plus strand). Cytogenetic location: 12q24.31.
Variant type: single nucleotide variant.
Coding change: c.458C>T on transcript NM_024809.5 (MANE Select); coding-DNA position 458, C replaced by T.
Protein change: p.Ala153Val; replaces alanine 153 with valine.
Molecular consequence: missense variant.
Genome position (GRCh38, 1-based): chr12:123,673,805, C>T. VCF-style: chr12-123673805-C-T. GRCh37 (hg19) VCF-style: chr12-124158352-C-T.
Other names: c.455C>T, p.Ala152Val (NM_001143850.3); c.458C>T, p.Ala153Val (NM_001410989.1); short protein forms A152V, A153V.
Identifiers: ClinVar variation 2157496 (VCV002157496.4), dbSNP rs868322385, ClinGen allele CA245184996.